The following is an entry in ClinVar:

NM_004304.5(ALK):c.4475T>C (p.Val1492Ala)

Gene: ALK (ALK receptor tyrosine kinase; minus strand). Cytogenetic location: 2p23.2.
Variant type: single nucleotide variant.
Coding change: c.4475T>C on transcript NM_004304.5 (MANE Select); coding-DNA position 4475, T replaced by C.
Protein change: p.Val1492Ala; replaces valine 1492 with alanine.
Molecular consequence: missense variant.
Genome position (GRCh38, 1-based): chr2:29,193,612, A>G on the plus strand (T>C on the coding strand, the complement: ALK is on the minus strand). VCF-style: chr2-29193612-A-G. GRCh37 (hg19) VCF-style: chr2-29416478-A-G.
Other names: c.1271T>C, p.Val424Ala (NM_001353765.2); short protein forms V1492A, V424A.
Identifiers: ClinVar variation 1740851 (VCV001740851.6), dbSNP rs984233224, ClinGen allele CA44634925.

ClinVar aggregate classification (germline): Uncertain significance. Review status: criteria provided, multiple submitters, no conflicts (2 of 4 stars). 2 submissions from 2 submitters: Uncertain significance (2). Last evaluated 2025-10-21.

Conditions:
Hereditary cancer-predisposing syndrome. Also called: Neoplastic Syndromes, Hereditary; Tumor predisposition; Hereditary Cancer Syndrome; Hereditary neoplastic syndrome. Identifiers: Orphanet 140162, MedGen C0027672, MeSH D009386, MONDO:0015356.
Neuroblastoma, susceptibility to, 3. Also called: ALK-Related Neuroblastic Tumor Susceptibility. Identifiers: Orphanet 635, MedGen C2751681, MONDO:0013083, OMIM 613014.

Allele frequency attached by ClinVar (database versions not stated): gnomAD exomes below 0.00001; TOPMed below 0.00001.
gnomAD v4.1: 1 of 1,614,172 alleles (0.000062%); highest among the groups gnomAD compares: African/African-American, 0.0013%; no homozygotes.

Submissions (2):

Labcorp Genetics (formerly Invitae), Labcorp
Classification: Uncertain significance for Neuroblastoma, susceptibility to, 3. Last evaluated: 2025-10-21. Review status: criteria provided, single submitter. Criteria: Invitae Variant Classification Sherloc (09022015). Collection method: clinical testing. Allele origin: germline.
Comment: This sequence change replaces valine, which is neutral and non-polar, with alanine, which is neutral and non-polar, at codon 1492 of the ALK protein (p.Val1492Ala). This variant is not present in population databases (gnomAD no frequency). This variant has not been reported in the literature in individuals affected with ALK-related conditions. ClinVar contains an entry for this variant (Variation ID: 1740851). An algorithm developed to predict the effect of missense changes on protein structure and function (PolyPhen-2) suggests that this variant is likely to be tolerated. In summary, the available evidence is currently insufficient to determine the role of this variant in disease. Therefore, it has been classified as a Variant of Uncertain Significance.

Ambry Genetics
Classification: Uncertain significance for Hereditary cancer-predisposing syndrome. Last evaluated: 2024-10-12. Review status: criteria provided, single submitter. Criteria: Ambry Variant Classification Scheme 2023. Collection method: clinical testing. Allele origin: germline.
Comment: The p.V1492A variant (also known as c.4475T>C), located in coding exon 29 of the ALK gene, results from a T to C substitution at nucleotide position 4475. The valine at codon 1492 is replaced by alanine, an amino acid with similar properties. This amino acid position is conserved. In addition, this alteration is predicted to be tolerated by in silico analysis. Since supporting evidence is limited at this time, the clinical significance of this alteration remains unclear.